The following is an entry in ClinVar:

NM_018076.5(ODAD2):c.3094C>T (p.Arg1032Cys)

Genes: ODAD2 (outer dynein arm docking complex subunit 2; minus strand), LOC132089773 (Neanderthal introgressed variant-containing enhancer experimental_12116; plus strand). Cytogenetic location: 10p12.1.
Variant type: single nucleotide variant.
Coding change: c.3094C>T on transcript NM_018076.5 (MANE Select); coding-DNA position 3094, C replaced by T.
Protein change: p.Arg1032Cys; replaces arginine 1032 with cysteine.
Molecular consequence: missense variant. On other transcripts: synonymous variant (1).
Genome position (GRCh38, 1-based): chr10:27,812,553, G>A on the plus strand (C>T on the coding strand, the complement: ODAD2 is on the minus strand). VCF-style: chr10-27812553-G-A. GRCh37 (hg19) VCF-style: chr10-28101482-G-A.
Other names: c.3094C>T, p.Arg1032Cys (NM_001290020.2); c.1791C>T, p.Ser597= (NM_001290021.2); c.2170C>T, p.Arg724Cys (NM_001312689.2); short protein forms R1032C, R724C.
Identifiers: ClinVar variation 1800076 (VCV001800076.2), dbSNP rs745364784, ClinGen allele CA205042394.

ClinVar aggregate classification (germline): Uncertain significance (1 of 4 stars; one submission).

Conditions:
Primary ciliary dyskinesia. Also called: Ciliary dyskinesia. Identifiers: Orphanet 244, MedGen C0008780, MONDO:0016575, HP:0012265.

Allele frequency attached by ClinVar (database versions not stated): gnomAD 0.00002; TOPMed 0.00003.
gnomAD v4.1: 37 of 1,613,144 alleles (0.0023%); highest among the groups gnomAD compares: Middle Eastern, 0.016%; no homozygotes.

Submission:

Ambry Genetics
Classification: Uncertain significance for Primary ciliary dyskinesia. Last evaluated: 2022-03-25. Review status: criteria provided, single submitter. Criteria: Ambry Variant Classification Scheme 2023. Collection method: clinical testing. Allele origin: germline.
Comment: The p.R1032C variant (also known as c.3094C>T), located in coding exon 19 of the ARMC4 gene, results from a C to T substitution at nucleotide position 3094. The arginine at codon 1032 is replaced by cysteine, an amino acid with highly dissimilar properties. This amino acid position is conserved. In addition, this alteration is predicted to be deleterious by in silico analysis. Since supporting evidence is limited at this time, the clinical significance of this alteration remains unclear.